The following is an entry in ClinVar:

NM_005022.4(PFN1):c.341T>C (p.Met114Thr)

Gene: PFN1 (profilin 1; minus strand). Cytogenetic location: 17p13.2.
Variant type: single nucleotide variant.
Coding change: c.341T>C on transcript NM_005022.4 (MANE Select); coding-DNA position 341, T replaced by C.
Protein change: p.Met114Thr; replaces methionine 114 with threonine.
Molecular consequence: missense variant. On other transcripts: 3 prime UTR variant (1).
Genome position (GRCh38, 1-based): chr17:4,945,982, A>G on the plus strand (T>C on the coding strand, the complement: PFN1 is on the minus strand). VCF-style: chr17-4945982-A-G. GRCh37 (hg19) VCF-style: chr17-4849277-A-G.
Other names: c.*425T>C (NM_001375991.1); c.341T>C (NM_005022.3); short protein forms M114T.
Identifiers: ClinVar variation 37035 (VCV000037035.8), dbSNP rs387907265, ClinGen allele CA260576.
Genomic context (GRCh38, chr17:4,945,982, plus strand): 5'-TGGGAGGCCATTTCATAACATTTCTTGTTGATCAAACCACCGTGGACACCTTCTTTGCCC[A>G]TCAGCAGGACTAGCGCTGGAGGAGGAGGAAAGAGAAAGGAGGCTAGGATCCAGGTGTCAC-3'
Protein context (NP_005013.1, residues 104-124): TKTDKTLVLL[Met114Thr]GKEGVHGGLI

ClinVar aggregate classification (germline): Pathogenic. Review status: criteria provided, single submitter (1 of 4 stars). 3 submissions from 3 submitters: Pathogenic (1). 2 of the submissions do not count toward it. Last evaluated 2025-09-03.

Conditions:
PFN1-related disorder. Also called: PFN1-related condition.
Amyotrophic lateral sclerosis type 18. Identifiers: Orphanet 803, MedGen C3553719, MONDO:0013891, OMIM 614808.

Submissions (3):

Labcorp Genetics (formerly Invitae), Labcorp
Classification: Pathogenic. Last evaluated: 2025-09-03. Review status: criteria provided, single submitter. Criteria: Invitae Variant Classification Sherloc (09022015). Collection method: clinical testing. Allele origin: germline.
Comment: This sequence change replaces methionine, which is neutral and non-polar, with threonine, which is neutral and polar, at codon 114 of the PFN1 protein (p.Met114Thr). This variant is not present in population databases (gnomAD no frequency). This missense change has been observed in individual(s) with amyotrophic lateral sclerosis (PMID: 22801503). It has also been observed to segregate with disease in related individuals. ClinVar contains an entry for this variant (Variation ID: 37035). An algorithm developed to predict the effect of missense changes on protein structure and function (PolyPhen-2) suggests that this variant is likely to be disruptive. Experimental studies have shown that this missense change affects PFN1 function (PMID: 22801503). For these reasons, this variant has been classified as Pathogenic.

PreventionGenetics, part of Exact Sciences
Classification: Pathogenic for PFN1-related condition. Last evaluated: 2023-11-20. Review status: no assertion criteria provided. Collection method: clinical testing. Allele origin: germline. Not counted in ClinVar's aggregate classification.
Comment: The PFN1 c.341T>C variant is predicted to result in the amino acid substitution p.Met114Thr. This variant was reported in an individual(s) with amyotrophic lateral sclerosis (Wu et al. 2012. PubMed ID: 22801503; Corcia et al. 2021. PubMed ID: 33408239). In vitro assays showed p.Met114Thr promotes the formation of PFN1 aggregates and impacts its function (Tanaka et al. 2016. PubMed ID: 26908597). An in vivo fruit fly model suggested the variant may exert a loss-of-function mechanism (Wu et al. 2017. PubMed ID: 28379367) though other studies have suggested a gain-of-function mechanism via formin-induced actin polymerization ultimately resulting in neurodegeneration (Schmidt et al. 2021. PubMed ID: 34074767; Liu et al. 2022. PubMed ID: 35248815) This variant has not been reported in a large population database, indicating this variant is rare. This variant is interpreted as pathogenic.

OMIM
Classification: Pathogenic for AMYOTROPHIC LATERAL SCLEROSIS 18. Last evaluated: 2012-08-23. Review status: no assertion criteria provided. Collection method: literature only. Allele origin: germline. Not counted in ClinVar's aggregate classification.

Literature cited by the submitters: PubMed 22801503 (cited by Labcorp Genetics (formerly Invitae), Labcorp and OMIM).